The following is an entry in ClinVar:

NM_007363.5(NONO):c.1017A>G (p.Gln339=)

Gene: NONO (non-POU domain containing octamer binding; plus strand). Cytogenetic location: Xq13.1.
Variant type: single nucleotide variant.
Coding change: c.1017A>G on transcript NM_007363.5 (MANE Select); coding-DNA position 1017, A replaced by G.
Protein change: p.Gln339=; no amino-acid change (glutamine 339 retained).
Molecular consequence: synonymous variant.
Genome position (GRCh38, 1-based): chrX:71,297,450, A>G. VCF-style: chrX-71297450-A-G. GRCh37 (hg19) VCF-style: chrX-70517300-A-G.
Other names: c.1017A>G, p.Gln339= (NM_001145408.2, NM_001145409.2); c.750A>G, p.Gln250= (NM_001145410.2).
Identifiers: ClinVar variation 2660870 (VCV002660870.24), dbSNP rs1225687425, ClinGen allele CA516730668.

ClinVar aggregate classification (germline): Likely benign (1 of 4 stars; one submission).

Allele frequency attached by ClinVar (database versions not stated): gnomAD exomes 0.00001.
gnomAD v4.1: 13 of 1,174,602 alleles (0.0011%); highest among the groups gnomAD compares: East Asian, 0.016%; no homozygotes.

Submission:

CeGaT Center for Human Genetics Tuebingen
Classification: Likely benign. Last evaluated: 2023-03-01. Review status: criteria provided, single submitter. Criteria: CeGaT Center For Human Genetics Tuebingen Variant Classification Criteria Version 2. Collection method: clinical testing. Allele origin: germline. Affected: yes. Observed: 1 variant allele.
Comment: NONO: BP4, BP7